The following is an entry in ClinVar:

ClinVar aggregate classification (germline): Uncertain significance. Review status: criteria provided, multiple submitters, no conflicts (2 of 4 stars). 2 submissions from 2 submitters: Uncertain significance (2). Last evaluated 2023-05-24.

Conditions:
FKBP10-related disorder. Also called: FKBP10-related condition.

Allele frequency attached by ClinVar (database versions not stated): gnomAD 0.00001; gnomAD exomes 0.00001 and 0.00002; ExAC 0.00002.
gnomAD v4.1: 12 of 1,614,046 alleles (0.00074%); highest among the groups gnomAD compares: Middle Eastern, 0.016%; no homozygotes.

Submissions (2):

PreventionGenetics, part of Exact Sciences
Classification: Uncertain significance for FKBP10-related condition. Last evaluated: 2023-05-24. Review status: criteria provided, single submitter. Criteria: ACMG Guidelines, 2015. Collection method: clinical testing. Allele origin: germline.
Comment: The FKBP10 c.1130C>T variant is predicted to result in the amino acid substitution p.Ala377Val. To our knowledge, this variant has not been reported in the literature. This variant is reported in 0.013% of alleles in individuals of South Asian descent in gnomAD. At this time, the clinical significance of this variant is uncertain due to the absence of conclusive functional and genetic evidence.

Labcorp Genetics (formerly Invitae), Labcorp
Classification: Uncertain significance. Last evaluated: 2022-09-13. Review status: criteria provided, single submitter. Criteria: Invitae Variant Classification Sherloc (09022015). Collection method: clinical testing. Allele origin: germline.
Comment: This sequence change replaces alanine, which is neutral and non-polar, with valine, which is neutral and non-polar, at codon 377 of the FKBP10 protein (p.Ala377Val). This variant is present in population databases (rs782640718, gnomAD 0.01%). This variant has not been reported in the literature in individuals affected with FKBP10-related conditions. ClinVar contains an entry for this variant (Variation ID: 1445849). Advanced modeling of protein sequence and biophysical properties (such as structural, functional, and spatial information, amino acid conservation, physicochemical variation, residue mobility, and thermodynamic stability) performed at Invitae indicates that this missense variant is not expected to disrupt FKBP10 protein function. In summary, the available evidence is currently insufficient to determine the role of this variant in disease. Therefore, it has been classified as a Variant of Uncertain Significance.

NM_021939.4(FKBP10):c.1130C>T (p.Ala377Val)

Gene: FKBP10 (FKBP prolyl isomerase 10; plus strand). Cytogenetic location: 17q21.2.
Variant type: single nucleotide variant.
Coding change: c.1130C>T on transcript NM_021939.4 (MANE Select); coding-DNA position 1130, C replaced by T.
Protein change: p.Ala377Val; replaces alanine 377 with valine.
Molecular consequence: missense variant.
Genome position (GRCh38, 1-based): chr17:41,820,335, C>T. VCF-style: chr17-41820335-C-T. GRCh37 (hg19) VCF-style: chr17-39976587-C-T.
Other names: c.1130C>T (NM_021939.3); short protein forms A377V.
Identifiers: ClinVar variation 1445849 (VCV001445849.5), dbSNP rs782640718, ClinGen allele CA8566525.